The following is an entry in ClinVar:

ClinVar aggregate classification (germline): Likely pathogenic. Review status: criteria provided, multiple submitters, no conflicts (2 of 4 stars). 3 submissions from 3 submitters: Likely pathogenic (3). Last evaluated 2026-09-17.

Conditions:
Metachromatic leukodystrophy (MLD). Also called: Cerebral sclerosis diffuse metachromatic form; Arylsulfatase A Deficiency; SULFATIDE LIPIDOSIS; ARSA DEFICIENCY; CEREBROSIDE SULFATASE DEFICIENCY; METACHROMATIC LEUKOENCEPHALOPATHY. Identifiers: Orphanet 512, MedGen C0023522, MONDO:0018868, OMIM 250100.

Submissions (3):

Laboratory of Experimental Gene Therapy of Hereditary Metabolic Diseases, Research Centre for Medical Genetics
Classification: Likely pathogenic for Metachromatic leukodystrophy. Last evaluated: 2026-09-17. Review status: criteria provided, single submitter. Criteria: ARSA MLD Assertion Criteria V2 2026 09 18. Collection method: clinical testing. Allele origin: germline. Inheritance: Autosomal recessive inheritance. Affected: yes. Observed: 1 variant allele, 1 compound heterozygote.
Comment: The previously reported Likely pathogenic classification was reviewed and retained for the accompanying study. External ClinVar record reviewed: VCV001332730.4. Observations from the present referral series were not used to establish pathogenicity.

Neuberg Centre For Genomic Medicine, NCGM
Classification: Likely pathogenic for Metachromatic leukodystrophy. Last evaluated: 2023-06-22. Review status: criteria provided, single submitter. Criteria: ACMG Guidelines, 2015. Collection method: clinical testing. Allele origin: germline. Inheritance: Autosomal recessive inheritance. Affected: yes.
Comment: The observed missense variant c.746T>G(p.Phe249Cys) in ARSA gene has not been reported previously as a pathogenic variant nor as a benign variant, to our knowledge. A different amino acid change c.746T>C(p.Phe249Ser) as a known pathogenic variant has been submitted to ClinVar. This variant is absent in gnomAD Exomes. It has been submitted to ClinVar as Likely Pathogenic. The amino acid Phe at position 249 is changed to a Cys changing protein sequence and it might alter its composition and physico-chemical properties. Multiple lines of computational evidence (SIFT-damaging and MutationTaster-disease causing) predict a damaging effect on protein structure and function for this variant. The reference amino acid p.Phe249Cys in ARSA is predicted as conserved by GERP++ and PhyloP across 100 vertebrates. For these reasons, this variant has been classified as Likely Pathogenic.

Kasturba Medical College, Manipal, Kasturba Medical College, Manipal, Manipal Academy of Higher Education, Manipal, India
Classification: Likely pathogenic for Metachromatic leukodystrophy. Review status: criteria provided, single submitter. Criteria: ACMG Guidelines, 2015. Collection method: clinical testing. Allele origin: inherited. Inheritance: Autosomal recessive inheritance. Affected: yes.

NM_000487.6(ARSA):c.746T>G (p.Phe249Cys)

Gene: ARSA (arylsulfatase A; minus strand). Cytogenetic location: 22q13.33.
Variant type: single nucleotide variant.
Coding change: c.746T>G on transcript NM_000487.6 (MANE Select); coding-DNA position 746, T replaced by G.
Protein change: p.Phe249Cys; replaces phenylalanine 249 with cysteine.
Molecular consequence: missense variant.
Genome position (GRCh38, 1-based): chr22:50,626,699, A>C on the plus strand (T>G on the coding strand, the complement: ARSA is on the minus strand). VCF-style: chr22-50626699-A-C. GRCh37 (hg19) VCF-style: chr22-51065127-A-C.
Other names: NP_000478.3:p.(Phe249Cys); c.746T>G, p.Phe249Cys (NM_001085425.3, NM_001085426.3, NM_001085427.3); c.488T>G, p.Phe163Cys (NM_001085428.3, NM_001362782.2); short protein forms F163C, F249C.
Identifiers: ClinVar variation 1332730 (VCV001332730.5), dbSNP rs199476384, ClinGen allele CA412176411.
Genomic context (GRCh38, chr22:50,626,699, plus strand): 5'-TCCCCTATGGCTGTCATCAGGGTCCCCACAGCTGCATCCAGCTCCATCAGGGAGTCCCCA[A>C]ATGGCCCGCGGCCTGAACGCTCTGCAAAGCTCTGCCCACTGAACTGAGGGTAGTGGGTGT-3'
Protein context (NP_000478.3, residues 239-259): SFAERSGRGP[Phe249Cys]GDSLMELDAA